The following is an entry in ClinVar:

ClinVar aggregate classification (germline): Conflicting classifications of pathogenicity. Review status: criteria provided, conflicting classifications (1 of 4 stars). 11 submissions from 11 submitters: Uncertain significance (9); Likely benign (1). 1 of the submissions does not count toward it. Last evaluated 2026-08-26.

Conditions:
Inborn genetic diseases. Identifiers: MedGen C0950123, MeSH D030342.
Childhood hypophosphatasia. Identifiers: Orphanet 247667, Orphanet 436, MedGen C0220743, MONDO:1010168, OMIM 241510, MONDO:0009428.
Infantile hypophosphatasia. Identifiers: Orphanet 247651, Orphanet 436, MedGen C0268412, MONDO:1010169, OMIM 241500, MONDO:0009427.
Adult hypophosphatasia. Identifiers: Orphanet 247676, Orphanet 436, MedGen C0268413, MONDO:1010154, OMIM 146300, MONDO:0007798.
ALPL-related disorder. Also called: ALPL-related disorders; ALPL-related condition.
Hypophosphatasia. Also called: Phosphoethanol-aminuria. Identifiers: Orphanet 436, MedGen C0020630, MeSH D007014, MONDO:0018570.

Allele frequency attached by ClinVar (database versions not stated): gnomAD exomes 0.00010 and 0.00007; ExAC 0.00011; gnomAD 0.00003 and 0.00008; TOPMed 0.00007; ESP Exome Variant Server 0.00008.
gnomAD v4.1: 120 of 1,599,830 alleles (0.0075%); highest among the groups gnomAD compares: Middle Eastern, 0.066%; no homozygotes.

Submissions (11):

PreventionGenetics, part of Exact Sciences
Classification: Uncertain significance for ALPL-related condition. Last evaluated: 2026-08-26. Review status: criteria provided, single submitter. Criteria: ACMG Guidelines, 2015. Collection method: clinical testing. Allele origin: germline.
Comment: The ALPL c.1540G>A variant is predicted to result in the amino acid substitution p.Ala514Thr. This variant has been reported with an additional ALPL variant in an individual with infantile hypophosphatasia (Tenorio et al. 2017. PubMed ID: 28127875). An in vitro study using a TNSALP enzymatic activity assay suggests that this variant does not decrease enzyme activity, showing near wild-type activity levels and no dominant-negative effect (Table S1, Del Angel et al. 2020. PubMed ID: 32160374). This variant is reported in 0.020% of alleles in individuals of South Asian descent in gnomAD. At this time, the clinical significance of this variant is uncertain due to the absence of conclusive functional and genetic evidence.

Ambry Genetics
Classification: Uncertain significance for Inborn genetic diseases. Last evaluated: 2026-05-21. Review status: criteria provided, single submitter. Criteria: Ambry Variant Classification Scheme 2023. Collection method: clinical testing. Allele origin: germline.
Comment: The c.1540G>A (p.A514T) alteration is located in exon 12 (coding exon 11) of the ALPL gene. This alteration results from a G to A substitution at nucleotide position 1540, causing the alanine (A) at amino acid position 514 to be replaced by a threonine (T). Based on data from gnomAD, the A allele has an overall frequency of 0.009% (24/265430) total alleles studied. The highest observed frequency was 0.043% (3/6996) of Other alleles. Based on insufficient or conflicting evidence, the clinical significance of this alteration remains unclear.

JKU Lab, Dept of Paediatrics, Johannes Kepler University
Classification: Likely benign for Hypophosphatasia. Last evaluated: 2026-02-12. Review status: criteria provided, single submitter. Criteria: ACMG Guidelines, 2015. Collection method: curation. Allele origin: germline. Affected: yes.
Comment: This missense variant is present in GnomAD 4.1 (f = 0.0006598) and affects a highly conserved amino acid, not in the active site. The variant is not predicted to affect protein function (REVEL score: 0.28) Splice-prediction algorithms predict no effect on splicing. This variant has been reported in the literature in individuals affected with ALPL-related conditions (PMID:28127875). Functional testing by del Angel et al. 2020 (PMID:32160374) showed normal ALP activity without a dominant negative effect.

Labcorp Genetics (formerly Invitae), Labcorp
Classification: Uncertain significance. Last evaluated: 2026-01-12. Review status: criteria provided, single submitter. Criteria: Invitae Variant Classification Sherloc (09022015). Collection method: clinical testing. Allele origin: germline.
Comment: This sequence change replaces alanine, which is neutral and non-polar, with threonine, which is neutral and polar, at codon 514 of the ALPL protein (p.Ala514Thr). This variant is present in population databases (rs367657406, gnomAD 0.02%). This missense change has been observed in individual(s) with hypophosphatasia (PMID: 28127875). ClinVar contains an entry for this variant (Variation ID: 554421). Invitae Evidence Modeling of protein sequence and biophysical properties (such as structural, functional, and spatial information, amino acid conservation, physicochemical variation, residue mobility, and thermodynamic stability) has been performed for this missense variant. However, the output from this modeling did not meet the statistical confidence thresholds required to predict the impact of this variant on ALPL protein function. Experimental studies have shown that this missense change does not substantially affect ALPL function (PMID: 32160374). In summary, the available evidence is currently insufficient to determine the role of this variant in disease. Therefore, it has been classified as a Variant of Uncertain Significance.

Genomenon, Inc
Classification: Uncertain significance for Hypophosphatasia. Last evaluated: 2025-08-29. Review status: criteria provided, single submitter. Criteria: Genomenon Sequence Variant Interpretation Standards. Collection method: curation. Allele origin: germline. Affected: yes.
Comment: ALPL Ala514Thr (c.1540G>A) is a missense variant that changes the amino acid at residue 514 from Alanine to Threonine. This variant has been observed in a proband affected with hypophosphatasia (PMID:28127875). Functional studies have been reported;however, the significance of the findings remain unclear (PMID:32160374). It is absent or not present at a significant frequency in gnomAD. In silico models agree that this variant is not damaging. In conclusion, we classify ALPL p.Ala514Thr (c.1540G>A) as a variant of unknown significance.

Fulgent Genetics
Classification: Uncertain significance for Adult hypophosphatasia; Infantile hypophosphatasia; Childhood hypophosphatasia. Last evaluated: 2024-03-11. Review status: criteria provided, single submitter. Criteria: ACMG Guidelines, 2015. Collection method: clinical testing. Allele origin: germline.

Revvity Omics, Revvity
Classification: Uncertain significance. Last evaluated: 2022-06-30. Review status: criteria provided, single submitter. Criteria: ACMG Guidelines, 2015. Collection method: clinical testing. Allele origin: germline.

Department of Pathology and Laboratory Medicine, Sinai Health System
Classification: Uncertain significance for Adult hypophosphatasia; Childhood hypophosphatasia; Infantile hypophosphatasia. Last evaluated: 2022-02-14. Review status: criteria provided, single submitter. Criteria: ACMG Guidelines, 2015. Collection method: research. Allele origin: germline.

Genome-Nilou Lab
Classification: Uncertain significance for Infantile hypophosphatasia. Last evaluated: 2021-05-18. Review status: criteria provided, single submitter. Criteria: ACMG Guidelines, 2015. Collection method: clinical testing. Allele origin: germline. Affected: no.

ARUP Laboratories, Molecular Genetics and Genomics, ARUP Laboratories
Classification: Uncertain significance. Last evaluated: 2018-11-13. Review status: criteria provided, single submitter. Criteria: ARUP Molecular Germline Variant Investigation Process. Collection method: clinical testing. Allele origin: germline.
Comment: The ALPL c.1540G>A; p.Ala514Thr variant (rs367657406) is reported in the literature in an individual affected with infantile hypophosphatasia that also carried a known pathogenic ALPL variant (Tenorio 2017). The p.Ala514Thr variant is reported in ClinVar (Variation ID: 554421) and is found in the general population with an overall allele frequency of 0.009% (24/265430 alleles) in the Genome Aggregation Database. The alanine at codon 514 is weakly conserved, and computational analyses (SIFT, PolyPhen-2) predict that this variant is tolerated. However, due to limited information, the clinical significance of the p.Ala514Thr variant is uncertain at this time. References: Tenorio J et al. Molecular and clinical analysis of ALPL in a cohort of patients with suspicion of Hypophosphatasia. Am J Med Genet A. 2017 Mar;173(3):601-610.

Counsyl
Classification: Uncertain significance for Infantile hypophosphatasia. Last evaluated: 2017-10-18. Review status: no assertion criteria provided. Collection method: clinical testing. Allele origin: unknown. Not counted in ClinVar's aggregate classification.

Literature cited by the submitters: PubMed 28127875 (cited by 4 submitters); PubMed 32160374 (cited by Labcorp Genetics (formerly Invitae), Labcorp and Genomenon, Inc).

NM_000478.6(ALPL):c.1540G>A (p.Ala514Thr)

Gene: ALPL (alkaline phosphatase, biomineralization associated; plus strand). Cytogenetic location: 1p36.12.
Variant type: single nucleotide variant.
Coding change: c.1540G>A on transcript NM_000478.6 (MANE Select); coding-DNA position 1540, G replaced by A.
Protein change: p.Ala514Thr; replaces alanine 514 with threonine.
Molecular consequence: missense variant.
Genome position (GRCh38, 1-based): chr1:21,577,613, G>A. VCF-style: chr1-21577613-G-A. GRCh37 (hg19) VCF-style: chr1-21904106-G-A.
Other names: c.1375G>A, p.Ala459Thr (NM_001127501.4); c.1309G>A, p.Ala437Thr (NM_001177520.3); c.1540G>A, p.Ala514Thr (NM_001369803.2, NM_001369804.2, NM_001369805.2); short protein forms A514T, A437T, A459T.
Identifiers: ClinVar variation 554421 (VCV000554421.25), dbSNP rs367657406, ClinGen allele CA666875.